The following is an entry in ClinVar:

ClinVar aggregate classification (germline): Uncertain significance (1 of 4 stars; one submission).

Conditions:
Hereditary lymphedema type I (LMPHM1). Also called: Nonne-Milroy disease; Congenital hereditary lymphedema; Early onset lymphedema; Hereditary lymphedema 1; Primary congenital lymphedema; Meige's disease. Identifiers: Orphanet 79452, MedGen C1704423, MONDO:0007919, OMIM 153100.

Allele frequency attached by ClinVar (database versions not stated): gnomAD 0.00001; gnomAD exomes 0.00001; TOPMed 0.00001; ExAC 0.00002; ESP Exome Variant Server 0.00008.
gnomAD v4.1: 11 of 1,613,598 alleles (0.00068%); highest among the groups gnomAD compares: African/African-American, 0.0027%; no homozygotes.

Submission:

Clinical Genomics Laboratory, Washington University in St. Louis
Classification: Uncertain significance for Hereditary lymphedema type I. Last evaluated: 2023-12-13. Review status: criteria provided, single submitter. Criteria: ACMG Guidelines, 2015. Collection method: clinical testing. Allele origin: germline.
Comment: The FLT4 c.3380G>A (p.Arg1127Gln) variant was identified at a near heterozygous allelic fraction of 47.56%, a frequency which may be consistent with it being of germline origin. This variant, to our knowledge, has not been reported in the medical literature. Computational predictors are uncertain as to the impact of this variant on FLT4 function. Due to limited information, and based on ACMG/AMP guidelines for variant interpretation (Richards S et al., PMID: 25741868), the clinical significance of this variant is uncertain at this time.

NM_182925.5(FLT4):c.3380G>A (p.Arg1127Gln)

Gene: FLT4 (fms related receptor tyrosine kinase 4; minus strand). Cytogenetic location: 5q35.3.
Variant type: single nucleotide variant.
Coding change: c.3380G>A on transcript NM_182925.5 (MANE Select); coding-DNA position 3380, G replaced by A.
Protein change: p.Arg1127Gln; replaces arginine 1127 with glutamine.
Molecular consequence: missense variant.
Genome position (GRCh38, 1-based): chr5:180,613,062, C>T on the plus strand (G>A on the coding strand, the complement: FLT4 is on the minus strand). VCF-style: chr5-180613062-C-T. GRCh37 (hg19) VCF-style: chr5-180040062-C-T.
Other names: c.3380G>A, p.Arg1127Gln (NM_001354989.2, NM_002020.5); short protein forms R1127Q.
Identifiers: ClinVar variation 3237391 (VCV003237391.1), dbSNP rs376188634.